The following is an entry in ClinVar:

ClinVar aggregate classification (germline): Uncertain significance. Review status: criteria provided, multiple submitters, no conflicts (2 of 4 stars). 4 submissions from 4 submitters: Uncertain significance (4). Last evaluated 2024-05-04.

Conditions:
Hereditary cancer-predisposing syndrome. Also called: Hereditary neoplastic syndrome; Hereditary Cancer Syndrome; Neoplastic Syndromes, Hereditary; Tumor predisposition. Identifiers: Orphanet 140162, MedGen C0027672, MeSH D009386, MONDO:0015356.
Familial cancer of breast. Also called: Hereditary breast cancer; BREAST CANCER, FAMILIAL; hereditary breast carcinoma. Identifiers: Orphanet 227535, MedGen C0346153, MONDO:0016419, OMIM 114480. Disease mechanism: loss of function.

gnomAD v4.1: 1 of 1,511,384 alleles (0.000066%); no homozygotes.

Submissions (4):

Ambry Genetics
Classification: Uncertain significance for Hereditary cancer-predisposing syndrome. Last evaluated: 2024-05-04. Review status: criteria provided, single submitter. Criteria: Ambry Variant Classification Scheme 2023. Collection method: clinical testing. Allele origin: germline.
Comment: The p.N281T variant (also known as c.842A>C), located in coding exon 6 of the CHEK2 gene, results from an A to C substitution at nucleotide position 842. The asparagine at codon 281 is replaced by threonine, an amino acid with similar properties. This variant was reported in 0/60,466 breast cancer cases and in 1/53,461 controls (Dorling et al. N Engl J Med. 2021 02;384:428-439). This amino acid position is well conserved in available vertebrate species. In addition, this alteration is predicted to be tolerated by in silico analysis. Since supporting evidence is limited at this time, the clinical significance of this alteration remains unclear.

Labcorp Genetics (formerly Invitae), Labcorp
Classification: Uncertain significance for Familial cancer of breast. Last evaluated: 2024-01-04. Review status: criteria provided, single submitter. Criteria: Invitae Variant Classification Sherloc (09022015). Collection method: clinical testing. Allele origin: germline.
Comment: This sequence change replaces asparagine, which is neutral and polar, with threonine, which is neutral and polar, at codon 281 of the CHEK2 protein (p.Asn281Thr). This variant is not present in population databases (gnomAD no frequency). This variant has not been reported in the literature in individuals affected with CHEK2-related conditions. ClinVar contains an entry for this variant (Variation ID: 230234). An algorithm developed to predict the effect of missense changes on protein structure and function (PolyPhen-2) suggests that this variant¬†is likely to be tolerated. In summary, the available evidence is currently insufficient to determine the role of this variant in disease. Therefore, it has been classified as a Variant of Uncertain Significance.

Color Diagnostics, LLC DBA Color Health
Classification: Uncertain significance for Hereditary cancer-predisposing syndrome. Last evaluated: 2022-07-26. Review status: criteria provided, single submitter. Criteria: ACMG Guidelines, 2015. Collection method: clinical testing. Allele origin: germline.
Comment: This missense variant replaces asparagine with threonine at codon 281 of the CHEK2 protein. Computational prediction suggests that this variant may not impact protein structure and function (internally defined REVEL score threshold <= 0.5, PMID: 27666373). To our knowledge, functional studies have not been reported for this variant. This variant has not been reported in individuals affected with hereditary cancer in the literature. This variant has not been identified in the general population by the Genome Aggregation Database (gnomAD). The available evidence is insufficient to determine the role of this variant in disease conclusively. Therefore, this variant is classified as a Variant of Uncertain Significance.

GeneDx
Classification: Uncertain significance. Last evaluated: 2019-09-13. Review status: criteria provided, single submitter. Criteria: GeneDx Variant Classification Process June 2021. Collection method: clinical testing. Allele origin: germline. Affected: yes.
Comment: Not observed in large population cohorts (Lek 2016); In silico analysis, which includes protein predictors and evolutionary conservation, supports a deleterious effect; Has not been previously published as pathogenic or benign to our knowledge

Literature cited by the submitters: PubMed 33471991 (cited by Ambry Genetics).

NM_007194.4(CHEK2):c.842A>C (p.Asn281Thr)

Gene: CHEK2 (checkpoint kinase 2; minus strand). Cytogenetic location: 22q12.1.
Variant type: single nucleotide variant.
Coding change: c.842A>C on transcript NM_007194.4 (MANE Select); coding-DNA position 842, A replaced by C.
Protein change: p.Asn281Thr; replaces asparagine 281 with threonine.
Molecular consequence: missense variant.
Genome position (GRCh38, 1-based): chr22:28,710,010, T>G on the plus strand (A>C on the coding strand, the complement: CHEK2 is on the minus strand). VCF-style: chr22-28710010-T-G. GRCh37 (hg19) VCF-style: chr22-29105998-T-G.
Other names: c.971A>C, p.Asn324Thr (NM_001005735.3); c.179A>C, p.Asn60Thr (NM_001257387.3); c.641A>C, p.Asn214Thr (NM_001349956.3); c.842A>C, p.Asn281Thr (NM_145862.3); short protein forms N281T, N324T, N60T, N214T.
Identifiers: ClinVar variation 230234 (VCV000230234.13), dbSNP rs587782196, ClinGen allele CA10581073.